The following is an entry in ClinVar:

NM_004946.3(DOCK2):c.169-40TTTTA[3]

Gene: DOCK2 (dedicator of cytokinesis 2; plus strand). Cytogenetic location: 5q35.1.
Variant type: Microsatellite.
Coding change: c.169-40TTTTA[3] on transcript NM_004946.3 (MANE Select); three copies in a row of the 5-base unit TTTTA starting at c.169-40.
Molecular consequence: intron variant.
Genome position: GRCh38 VCF-style: chr5-169670501-T-TTTTTA. GRCh37 (hg19) VCF-style: chr5-169097505-T-TTTTTA.
Identifiers: ClinVar variation 2688136 (VCV002688136.2), dbSNP rs111473735, ClinGen allele CA3553089.

ClinVar aggregate classification (germline): Benign (1 of 4 stars; one submission).

Submission:

Unidad de Genómica Garrahan, Hospital de Pediatría Garrahan
Classification: Benign. Last evaluated: 2024-01-24. Review status: criteria provided, single submitter. Criteria: ACMG Guidelines, 2015. Collection method: clinical testing. Allele origin: germline. Affected: no. Observed: 45 variant alleles.
Comment: This variant is classified as Benign based on local population frequency. This variant was detected in 47% of patients studied by a panel of primary immunodeficiencies. Number of patients: 45. Only high quality variants are reported.